The following is an entry in ClinVar:

NM_001080517.3(SETD5):c.1446del (p.Asp483fs)

Gene: SETD5 (SET domain containing 5; plus strand). Cytogenetic location: 3p25.3.
Variant type: Deletion.
Coding change: c.1446del on transcript NM_001080517.3 (MANE Select); coding-DNA position 1446, one base deleted (A; older notation c.1446delA).
Protein change: p.Asp483fs; shifts the reading frame from aspartic acid 483.
Molecular consequence: frameshift variant.
Genome position (GRCh38, 1-based): chr3:9,445,662, A deleted. VCF-style (leftmost placement, unchanged base first): chr3-9445661-TA-T. GRCh37 (hg19) VCF-style: chr3-9487345-TA-T.
Other names: c.1152del, p.Asp385fs (NM_001292043.2, NM_001349451.2); short protein forms D483fs, D385fs.
Identifiers: ClinVar variation 503885 (VCV000503885.2), dbSNP rs1553623880, ClinGen allele CA658796226.

ClinVar aggregate classification (germline): Likely pathogenic (1 of 4 stars; one submission).

Submission:

GeneDx
Classification: Likely pathogenic. Last evaluated: 2017-12-06. Review status: criteria provided, single submitter. Criteria: GeneDx Variant Classification (06012015). Collection method: clinical testing. Allele origin: germline. Affected: yes.
Comment: The c.1446delA variant in the SETD5 gene has not been reported previously as a pathogenic variant nor as a benign variant, to our knowledge. This variant causes a frameshift starting with codon Aspartic Acid 483, changes this amino acid to a Threonine residue, and creates a premature Stop codon at position 15 of the new reading frame, denoted p.Asp483ThrfsX15. This variant is predicted to cause loss of normal protein function either through protein truncation or nonsense-mediated mRNA decay. The c.1446delA variant is not observed in large population cohorts (Lek et al., 2016). We interpret c.1446delA as a likely pathogenic variant.